The following is an entry in ClinVar:

NM_019023.5(PRMT7):c.487C>T (p.His163Tyr)

Gene: PRMT7 (protein arginine methyltransferase 7; plus strand). Cytogenetic location: 16q22.1.
Variant type: single nucleotide variant.
Coding change: c.487C>T on transcript NM_019023.5 (MANE Select); coding-DNA position 487, C replaced by T.
Protein change: p.His163Tyr; replaces histidine 163 with tyrosine.
Molecular consequence: missense variant. On other transcripts: non-coding transcript variant (12).
Genome position (GRCh38, 1-based): chr16:68,337,554, C>T. VCF-style: chr16-68337554-C-T. GRCh37 (hg19) VCF-style: chr16-68371457-C-T.
Other names: c.337C>T, p.His113Tyr (NM_001184824.4); c.487C>T, p.His163Tyr (NM_001290018.2, NM_001351143.3, NM_001351144.3 and 1 more transcripts); c.280C>T, p.His94Tyr (NM_001378020.1); c.250C>T, p.His84Tyr (NM_001378021.1, NM_001378022.1, NM_001378023.1); short protein forms H94Y, H163Y, H113Y, H84Y.
Identifiers: ClinVar variation 4703326 (VCV004703326.1).
Genomic context (GRCh38, chr16:68,337,554, plus strand): 5'-ACAGAGTTGTTTGACACAGAGCTGATCGGGGAGGGGGCGCTGCCCTCCTATGAGCACGCA[C>T]ACAGGCATCTCGTGGAGGTAGTAGACGGAGGGCTCCCTCAGACGTGTCTGTGGTCTCAGC-3'
Protein context (NP_061896.1, residues 153-173): EGALPSYEHA[His163Tyr]RHLVEENCEA

ClinVar aggregate classification (germline): Uncertain significance (1 of 4 stars; one submission).

Submission:

Labcorp Genetics (formerly Invitae), Labcorp
Classification: Uncertain significance. Last evaluated: 2025-03-01. Review status: criteria provided, single submitter. Criteria: Invitae Variant Classification Sherloc (09022015). Collection method: clinical testing. Allele origin: germline.
Comment: This sequence change replaces histidine, which is basic and polar, with tyrosine, which is neutral and polar, at codon 163 of the PRMT7 protein (p.His163Tyr). The frequency data for this variant in the population databases is considered unreliable, as metrics indicate poor data quality at this position in the gnomAD database. This variant has not been reported in the literature in individuals affected with PRMT7-related conditions. Invitae Evidence Modeling of protein sequence and biophysical properties (such as structural, functional, and spatial information, amino acid conservation, physicochemical variation, residue mobility, and thermodynamic stability) indicates that this missense variant is not expected to disrupt PRMT7 protein function with a negative predictive value of 80%. In summary, the available evidence is currently insufficient to determine the role of this variant in disease. Therefore, it has been classified as a Variant of Uncertain Significance.